The following is an entry in ClinVar:

NM_020822.3(KCNT1):c.2539del (p.Leu847fs)

Gene: KCNT1 (potassium sodium-activated channel subfamily T member 1; plus strand). Cytogenetic location: 9q34.3.
Variant type: Deletion.
Coding change: c.2539del on transcript NM_020822.3 (MANE Select); coding-DNA position 2539, one base deleted (C; older notation c.2539delC).
Protein change: p.Leu847fs; shifts the reading frame from leucine 847.
Molecular consequence: frameshift variant.
Genome position (GRCh38, 1-based): chr9:135,778,440, C deleted; the last of 2 consecutive C bases (chr9:135,778,439-135,778,440); deleting either gives the same sequence. VCF-style (leftmost placement, unchanged base first): chr9-135778438-TC-T. GRCh37 (hg19) VCF-style: chr9-138670284-TC-T.
Other names: c.2404del, p.Leu802fs (NM_001272003.2); short protein forms L847fs, L802fs.
Identifiers: ClinVar variation 4785292 (VCV004785292.1).

ClinVar aggregate classification (germline): Uncertain significance (1 of 4 stars; one submission).

Conditions:
Autosomal dominant nocturnal frontal lobe epilepsy 5. Also called: CILIARY DYSKINESIA, PRIMARY, 28, WITHOUT SITUS INVERSUS; CILIARY DYSKINESIA, PRIMARY, 28, WITH SITUS INVERSUS; KCNT1-Related Epilepsy; Epilepsy, nocturnal frontal lobe, 5. Identifiers: Orphanet 98784, MedGen C3554306, MONDO:0014002, OMIM 615005.
Developmental and epileptic encephalopathy, 14 (DEE14). Also called: Early infantile epileptic encephalopathy 14. Identifiers: Orphanet 293181, MedGen C3554195, MONDO:0013989, OMIM 614959.

Submission:

Labcorp Genetics (formerly Invitae), Labcorp
Classification: Uncertain significance for Autosomal dominant nocturnal frontal lobe epilepsy 5; Developmental and epileptic encephalopathy, 14. Last evaluated: 2025-06-14. Review status: criteria provided, single submitter. Criteria: Invitae Variant Classification Sherloc (09022015). Collection method: clinical testing. Allele origin: germline.
Comment: This sequence change creates a premature translational stop signal (p.Leu847Trpfs*43) in the KCNT1 gene. It is expected to result in an absent or disrupted protein product. However, the current clinical and genetic evidence is not sufficient to establish whether loss-of-function variants in KCNT1 cause disease. This variant is not present in population databases (gnomAD no frequency). This variant has not been reported in the literature in individuals affected with KCNT1-related conditions. In summary, the available evidence is currently insufficient to determine the role of this variant in disease. Therefore, it has been classified as a Variant of Uncertain Significance.